The following is an entry in ClinVar:

NM_173689.7(CRB2):c.322G>T (p.Asp108Tyr)

Gene: CRB2 (crumbs cell polarity complex component 2; plus strand). Cytogenetic location: 9q33.3.
Variant type: single nucleotide variant.
Coding change: c.322G>T on transcript NM_173689.7 (MANE Select); coding-DNA position 322, G replaced by T.
Protein change: p.Asp108Tyr; replaces aspartic acid 108 with tyrosine.
Molecular consequence: missense variant.
Genome position (GRCh38, 1-based): chr9:123,363,092, G>T. VCF-style: chr9-123363092-G-T. GRCh37 (hg19) VCF-style: chr9-126125371-G-T.
Other names: short protein forms D108Y.
Identifiers: ClinVar variation 4233952 (VCV004233952.2).

ClinVar aggregate classification (germline): Uncertain significance. Review status: criteria provided, multiple submitters, no conflicts (2 of 4 stars). 2 submissions from 2 submitters: Uncertain significance (2). Last evaluated 2025-08-14.

Conditions:
Inborn genetic diseases. Identifiers: MedGen C0950123, MeSH D030342.
Focal segmental glomerulosclerosis 9 (FSGS9). Identifiers: Orphanet 656, MedGen C4015555, MONDO:0014539, OMIM 616220.

gnomAD v4.1: 6 of 1,611,518 alleles (0.00037%); highest among the groups gnomAD compares: East Asian, 0.013%; no homozygotes.

Submissions (2):

Ambry Genetics
Classification: Uncertain significance for Inborn genetic diseases. Last evaluated: 2025-08-14. Review status: criteria provided, single submitter. Criteria: Ambry Variant Classification Scheme 2023. Collection method: clinical testing. Allele origin: germline.

3billion
Classification: Uncertain significance for Focal segmental glomerulosclerosis 9. Last evaluated: 2024-07-15. Review status: criteria provided, single submitter. Criteria: ACMG Guidelines, 2015. Collection method: clinical testing. Allele origin: germline. Affected: yes.
Comment: The variant is observed at an extremely low frequency in the gnomAD v4.0.0 dataset (total allele frequency: <0.001%). Predicted Consequence/Location: Missense variant In silico tool predictions suggest damaging effect of the variant on gene or gene product [REVEL: 0.94 (>=0.6, sensitivity 0.68 and specificity 0.92)]. Therefore, this variant is classified as VUS according to the recommendation of ACMG/AMP guideline.